The following is an entry in ClinVar:

ClinVar aggregate classification (germline): Likely pathogenic (1 of 4 stars; one submission).

Conditions:
ALG9 congenital disorder of glycosylation (CDG1L). Also called: CDG Il; ALG9-CDG; CONGENITAL DISORDER OF GLYCOSYLATION, TYPE Il. Identifiers: Orphanet 79328, MedGen C2931006, MONDO:0012117, OMIM 608776.

Submission:

Labcorp Genetics (formerly Invitae), Labcorp
Classification: Likely pathogenic for ALG9 congenital disorder of glycosylation. Last evaluated: 2025-03-05. Review status: criteria provided, single submitter. Criteria: Invitae Variant Classification Sherloc (09022015). Collection method: clinical testing. Allele origin: germline.
Comment: This sequence change affects an acceptor splice site in intron 1 of the ATP6V0A2 gene. It is expected to disrupt RNA splicing. Variants that disrupt the donor or acceptor splice site typically lead to a loss of protein function (PMID: 16199547), and loss-of-function variants in ATP6V0A2 are known to be pathogenic (PMID: 18157129, 19321599). This variant is not present in population databases (gnomAD no frequency). This variant has not been reported in the literature in individuals affected with ATP6V0A2-related conditions. Algorithms developed to predict the effect of sequence changes on RNA splicing suggest that this variant may disrupt the consensus splice site. In summary, the currently available evidence indicates that the variant is pathogenic, but additional data are needed to prove that conclusively. Therefore, this variant has been classified as Likely Pathogenic.

Literature cited by the submitters: PubMed 16199547; PubMed 18157129; PubMed 19321599.

NM_012463.4(ATP6V0A2):c.118-1G>A

Gene: ATP6V0A2 (ATPase H+ transporting V0 subunit a2; plus strand). Cytogenetic location: 12q24.31.
Variant type: single nucleotide variant.
Coding change: c.118-1G>A on transcript NM_012463.4 (MANE Select); the canonical splice acceptor site of the intron before coding-DNA position 118, G replaced by A.
Molecular consequence: splice acceptor variant.
Genome position (GRCh38, 1-based): chr12:123,718,622, G>A. VCF-style: chr12-123718622-G-A. GRCh37 (hg19) VCF-style: chr12-124203169-G-A.
Identifiers: ClinVar variation 4714416 (VCV004714416.1).
Genomic context (GRCh38, chr12:123,718,622, plus strand): 5'-TTTACATAAAAGTATTTTTAAATTTTAGAAATTTAAACCATATTTTTCATCCTTTTCTCA[G>A]CTCAACCAGAACGTAAGTTCTTTCCAAAGAAAATTTGTTGGTGAGGTGAAGAGGTGTGAA-3'